The following is an entry in ClinVar:

NM_014994.3(MAPKBP1):c.4269C>T (p.Ser1423=)

Gene: MAPKBP1 (mitogen-activated protein kinase binding protein 1; plus strand). Cytogenetic location: 15q15.1.
Variant type: single nucleotide variant.
Coding change: c.4269C>T on transcript NM_014994.3 (MANE Select); coding-DNA position 4269, C replaced by T.
Protein change: p.Ser1423=; no amino-acid change (serine 1423 retained).
Molecular consequence: synonymous variant. On other transcripts: non-coding transcript variant (2).
Genome position (GRCh38, 1-based): chr15:41,824,539, C>T. VCF-style: chr15-41824539-C-T. GRCh37 (hg19) VCF-style: chr15-42116737-C-T.
Other names: c.4287C>T (NM_001128608.1); c.4287C>T, p.Ser1429= (NM_001128608.2); c.3438C>T, p.Ser1146= (NM_001265611.2).
Identifiers: ClinVar variation 1653162 (VCV001653162.10), dbSNP rs147231002, ClinGen allele CA7498788.
Genomic context (GRCh38, chr15:41,824,539, plus strand): 5'-TTCAGAGCCAGCGGTGAGCCTGGAGCAGTGTGAGCAGCTGGTGGCAGAGCTCCGCGGCAG[C>T]GTGCGCCAGGCAGTGCGGCTCTACCACTCGGTGGGTGTTAGGTGCCCCCCGGCAGGAAGG-3'
Protein context (NP_055809.2, residues 1413-1433): CEQLVAELRG[Ser1423=]VRQAVRLYHS

ClinVar aggregate classification (germline): Likely benign. Review status: criteria provided, multiple submitters, no conflicts (2 of 4 stars). 3 submissions from 3 submitters: Likely benign (3). Last evaluated 2026-01-09.

Conditions:
MAPKBP1-related disorder. Also called: MAPKBP1-related condition.

Allele frequency attached by ClinVar (database versions not stated): 1000 Genomes Project 0.00020; gnomAD exomes 0.00052 and 0.00102; TOPMed 0.00063; gnomAD 0.00068; ESP Exome Variant Server 0.00092; ExAC 0.00120; 1000 Genomes Project 30x 0.00016.
gnomAD v4.1: 1,553 of 1,602,706 alleles (0.097%); highest among the groups gnomAD compares: Non-Finnish European, 0.13%; 1 homozygote.

Submissions (3):

Labcorp Genetics (formerly Invitae), Labcorp
Classification: Likely benign. Last evaluated: 2026-01-09. Review status: criteria provided, single submitter. Criteria: Invitae Variant Classification Sherloc (09022015). Collection method: clinical testing. Allele origin: germline.

PreventionGenetics, part of Exact Sciences
Classification: Likely benign for MAPKBP1-related condition. Last evaluated: 2025-06-03. Review status: criteria provided, single submitter. Criteria: ACMG Guidelines, 2015. Collection method: clinical testing. Allele origin: germline.
Comment: This variant is classified as likely benign based on ACMG/AMP sequence variant interpretation guidelines (Richards et al. 2015 PMID: 25741868, with internal and published modifications).

Breakthrough Genomics
Classification: Likely benign. Review status: criteria provided, single submitter. Criteria: ACMG Guidelines, 2015. Collection method: not provided. Allele origin: germline. Inheritance: Autosomal recessive inheritance. Affected: yes.